The following is an entry in ClinVar:

NM_003873.7(NRP1):c.2642G>A (p.Cys881Tyr)

Gene: NRP1 (neuropilin 1; minus strand). Cytogenetic location: 10p11.22.
Variant type: single nucleotide variant.
Coding change: c.2642G>A on transcript NM_003873.7 (MANE Select); coding-DNA position 2642, G replaced by A.
Protein change: p.Cys881Tyr; replaces cysteine 881 with tyrosine.
Molecular consequence: missense variant. On other transcripts: non-coding transcript variant (1).
Genome position (GRCh38, 1-based): chr10:33,180,206, C>T on the plus strand (G>A on the coding strand, the complement: NRP1 is on the minus strand). VCF-style: chr10-33180206-C-T. GRCh37 (hg19) VCF-style: chr10-33469134-C-T.
Other names: c.2624G>A, p.Cys875Tyr (NM_001244972.2); c.2621G>A, p.Cys874Tyr (NM_001244973.2); c.2591G>A, p.Cys864Tyr (NM_001330068.2); short protein forms C874Y, C875Y, C864Y, C881Y.
Identifiers: ClinVar variation 4986609 (VCV004986609.1).
Genomic context (GRCh38, chr10:33,180,206, plus strand): 5'-AAGTTATAGTTCTCCAGGGCAGACAAGTTTCTTTCTGACATCCCATTATGCCAACAGGCA[C>T]AGTACAGCACGACCCCACAGACAGCCCCCAGGAGGACCCCCAGGGCACTCATGGCTATGA-3'
Protein context (NP_003864.5, residues 871-891): LGAVCGVVLY[Cys881Tyr]ACWHNGMSER

ClinVar aggregate classification (germline): Likely benign (1 of 4 stars; one submission).

Conditions:
NRP1-related disorder. Also called: NRP1-related condition.

gnomAD v4.1: 196 of 1,614,160 alleles (0.012%); highest among the groups gnomAD compares: South Asian, 0.21%; 1 homozygote.

Submission:

PreventionGenetics, part of Exact Sciences
Classification: Likely benign for NRP1-related condition. Last evaluated: 2025-05-15. Review status: criteria provided, single submitter. Criteria: ACMG Guidelines, 2015. Collection method: clinical testing. Allele origin: germline.
Comment: This variant is classified as likely benign based on ACMG/AMP sequence variant interpretation guidelines (Richards et al. 2015 PMID: 25741868, with internal and published modifications).